The following is an entry in ClinVar:

ClinVar aggregate classification (germline): Uncertain significance (1 of 4 stars; one submission).

Submission:

CeGaT Center for Human Genetics Tuebingen
Classification: Uncertain significance. Last evaluated: 2025-04-01. Review status: criteria provided, single submitter. Criteria: CeGaT Center For Human Genetics Tuebingen Variant Classification Criteria Version 2. Collection method: clinical testing. Allele origin: germline. Affected: yes. Observed: 1 variant allele.
Comment: CDC42BPB: PM2, PP2

NM_006035.4(CDC42BPB):c.23A>T (p.Lys8Met)

Gene: CDC42BPB (CDC42 binding protein kinase beta; minus strand). Cytogenetic location: 14q32.32.
Variant type: single nucleotide variant.
Coding change: c.23A>T on transcript NM_006035.4 (MANE Select); coding-DNA position 23, A replaced by T.
Protein change: p.Lys8Met; replaces lysine 8 with methionine.
Molecular consequence: missense variant.
Genome position (GRCh38, 1-based): chr14:103,057,151, T>A on the plus strand (A>T on the coding strand, the complement: CDC42BPB is on the minus strand). VCF-style: chr14-103057151-T-A. GRCh37 (hg19) VCF-style: chr14-103523488-T-A.
Other names: c.23A>T, p.Lys8Met (NM_001411054.1); short protein forms K8M.
Identifiers: ClinVar variation 3905753 (VCV003905753.10).